The following is an entry in ClinVar:

ClinVar aggregate classification (germline): Conflicting classifications of pathogenicity. Review status: criteria provided, conflicting classifications (1 of 4 stars). 6 submissions from 6 submitters: Uncertain significance (1); Benign (1); Likely benign (4). Last evaluated 2026-01-12.

Conditions:
Inborn genetic diseases. Identifiers: MedGen C0950123, MeSH D030342.
Developmental and epileptic encephalopathy 94 (DEE94). Also called: CHD2-Related Neurodevelopmental Disorders; Epileptic encephalopathy, childhood-onset. Identifiers: Orphanet 1942, Orphanet 2382, MedGen C3809278, MONDO:0014150, OMIM 615369.

Allele frequency attached by ClinVar (database versions not stated): TOPMed 0.00009; ExAC 0.00010; gnomAD 0.00011; gnomAD exomes 0.00013 and 0.00018.
gnomAD v4.1: 217 of 1,613,872 alleles (0.013%); highest among the groups gnomAD compares: Admixed American, 0.028%; no homozygotes.

Submissions (6):

Labcorp Genetics (formerly Invitae), Labcorp
Classification: Likely benign for Developmental and epileptic encephalopathy 94. Last evaluated: 2026-01-12. Review status: criteria provided, single submitter. Criteria: Invitae Variant Classification Sherloc (09022015). Collection method: clinical testing. Allele origin: germline.

Blueprint Genetics
Classification: Likely benign. Last evaluated: 2024-11-25. Review status: criteria provided, single submitter. Criteria: ACMG Guidelines, 2015. Collection method: clinical testing. Allele origin: germline.

CeGaT Center for Human Genetics Tuebingen
Classification: Likely benign. Last evaluated: 2024-05-01. Review status: criteria provided, single submitter. Criteria: CeGaT Center For Human Genetics Tuebingen Variant Classification Criteria Version 2. Collection method: clinical testing. Allele origin: germline. Affected: yes. Observed: 4 variant alleles.
Comment: CHD2: BS1

Ambry Genetics
Classification: Likely benign for Inborn genetic diseases. Last evaluated: 2021-10-29. Review status: criteria provided, single submitter. Criteria: Ambry Variant Classification Scheme 2023. Collection method: clinical testing. Allele origin: germline.

GeneDx
Classification: Benign. Last evaluated: 2020-01-15. Review status: criteria provided, single submitter. Criteria: GeneDx Variant Classification Process June 2021. Collection method: clinical testing. Allele origin: germline. Affected: yes.

Genomic Diagnostic Laboratory, Division of Genomic Diagnostics, Children's Hospital of Philadelphia
Classification: Uncertain significance. Last evaluated: 2015-08-19. Review status: criteria provided, single submitter. Criteria: DGD Variant Analysis Guidelines. Collection method: clinical testing. Allele origin: unknown.

NM_001271.4(CHD2):c.5033G>A (p.Arg1678Gln)

Gene: CHD2 (chromodomain helicase DNA binding protein 2; plus strand). Cytogenetic location: 15q26.1.
Variant type: single nucleotide variant.
Coding change: c.5033G>A on transcript NM_001271.4 (MANE Select); coding-DNA position 5033, G replaced by A.
Protein change: p.Arg1678Gln; replaces arginine 1678 with glutamine.
Molecular consequence: missense variant.
Genome position (GRCh38, 1-based): chr15:93,020,138, G>A. VCF-style: chr15-93020138-G-A. GRCh37 (hg19) VCF-style: chr15-93563368-G-A.
Other names: short protein forms R1678Q.
Identifiers: ClinVar variation 252578 (VCV000252578.50), dbSNP rs201628571, ClinGen allele CA7748627.
Genomic context (GRCh38, chr15:93,020,138, plus strand): 5'-GAAGCGACAGGCACCATCAGTATGAGCAGCACTGGTACAAGGACCACCATTATGGGGACC[G>A]GCGACATATGGATGCCCACCGTTCCGGAAGCTATCGACCCAACAACATGTCCAGAAAGAG-3'
Protein context (NP_001262.3, residues 1668-1688): HWYKDHHYGD[Arg1678Gln]RHMDAHRSGS